The following is an entry in ClinVar:

ClinVar aggregate classification (germline): Uncertain significance (1 of 4 stars; one submission).

Submission:

Labcorp Genetics (formerly Invitae), Labcorp
Classification: Uncertain significance. Last evaluated: 2023-05-01. Review status: criteria provided, single submitter. Criteria: Invitae Variant Classification Sherloc (09022015). Collection method: clinical testing. Allele origin: germline.
Comment: In summary, the available evidence is currently insufficient to determine the role of this variant in disease. Therefore, it has been classified as a Variant of Uncertain Significance. Algorithms developed to predict the effect of sequence changes on RNA splicing suggest that this variant may create or strengthen a splice site. An algorithm developed to predict the effect of missense changes on protein structure and function (PolyPhen-2) suggests that this variant is likely to be disruptive. This variant has not been reported in the literature in individuals affected with FLNB-related conditions. This variant is not present in population databases (gnomAD no frequency). This sequence change replaces glycine, which is neutral and non-polar, with alanine, which is neutral and non-polar, at codon 1300 of the FLNB protein (p.Gly1300Ala).

NM_001457.4(FLNB):c.3899G>C (p.Gly1300Ala)

Gene: FLNB (filamin B; plus strand). Cytogenetic location: 3p14.3.
Variant type: single nucleotide variant.
Coding change: c.3899G>C on transcript NM_001457.4 (MANE Select); coding-DNA position 3899, G replaced by C.
Protein change: p.Gly1300Ala; replaces glycine 1300 with alanine.
Molecular consequence: missense variant.
Genome position (GRCh38, 1-based): chr3:58,125,581, G>C. VCF-style: chr3-58125581-G-C. GRCh37 (hg19) VCF-style: chr3-58111308-G-C.
Other names: c.3899G>C, p.Gly1300Ala (NM_001164317.2, NM_001164318.2, NM_001164319.2); short protein forms G1300A.
Identifiers: ClinVar variation 2993296 (VCV002993296.3), dbSNP rs2471131366, ClinGen allele CA353349763.